The following is an entry in ClinVar:

NM_001197104.2(KMT2A):c.9908C>T (p.Pro3303Leu)

Gene: KMT2A (lysine methyltransferase 2A; plus strand). Cytogenetic location: 11q23.3.
Variant type: single nucleotide variant.
Coding change: c.9908C>T on transcript NM_001197104.2 (MANE Select); coding-DNA position 9908, C replaced by T.
Protein change: p.Pro3303Leu; replaces proline 3303 with leucine.
Molecular consequence: missense variant.
Genome position (GRCh38, 1-based): chr11:118,505,800, C>T. VCF-style: chr11-118505800-C-T. GRCh37 (hg19) VCF-style: chr11-118376515-C-T.
Other names: c.9998C>T, p.Pro3333Leu (NM_001412597.1); c.9899C>T, p.Pro3300Leu (NM_005933.4); short protein forms P3333L, P3300L, P3303L.
Identifiers: ClinVar variation 1959016 (VCV001959016.5), dbSNP rs1555048000, ClinGen allele CA382822213.

ClinVar aggregate classification (germline): Uncertain significance (1 of 4 stars; one submission).

Allele frequency attached by ClinVar (database versions not stated): gnomAD exomes below 0.00001.
gnomAD v4.1: 1 of 1,614,110 alleles (0.000062%); highest among the groups gnomAD compares: Admixed American, 0.0017%; no homozygotes.

Submission:

Labcorp Genetics (formerly Invitae), Labcorp
Classification: Uncertain significance. Last evaluated: 2024-01-04. Review status: criteria provided, single submitter. Criteria: Invitae Variant Classification Sherloc (09022015). Collection method: clinical testing. Allele origin: germline.
Comment: This sequence change replaces proline, which is neutral and non-polar, with leucine, which is neutral and non-polar, at codon 3303 of the KMT2A protein (p.Pro3303Leu). This variant is present in population databases (no rsID available, gnomAD 0.003%). This variant has not been reported in the literature in individuals affected with KMT2A-related conditions. ClinVar contains an entry for this variant (Variation ID: 1959016). Advanced modeling of protein sequence and biophysical properties (such as structural, functional, and spatial information, amino acid conservation, physicochemical variation, residue mobility, and thermodynamic stability) performed at Invitae indicates that this missense variant is not expected to disrupt KMT2A protein function with a negative predictive value of 95%. In summary, the available evidence is currently insufficient to determine the role of this variant in disease. Therefore, it has been classified as a Variant of Uncertain Significance.